The following is an entry in ClinVar:

ClinVar aggregate classification (germline): Uncertain significance (1 of 4 stars; one submission).

Conditions:
Hereditary spastic paraplegia 11. Also called: Nakamura Osame syndrome; Autosomal recessive hereditary spastic paraplegia, mental impairment, and thin corpus callosum; SPASTIC PARAPLEGIA, AUTOSOMAL RECESSIVE, COMPLICATED, WITH THIN CORPUS CALLOSUM; SPASTIC PARAPLEGIA, AUTOSOMAL RECESSIVE, WITH MENTAL IMPAIRMENT AND THIN CORPUS CALLOSUM; Spastic paraplegia, mental retardation and thin corpus callosum; Spastic Paraplegia 11. Identifiers: Orphanet 2822, MedGen C1858479, MONDO:0011445, OMIM 604360.

Submission:

Labcorp Genetics (formerly Invitae), Labcorp
Classification: Uncertain significance for Hereditary spastic paraplegia 11. Last evaluated: 2022-02-12. Review status: criteria provided, single submitter. Criteria: Invitae Variant Classification Sherloc (09022015). Collection method: clinical testing. Allele origin: germline.
Comment: This variant is not present in population databases (gnomAD no frequency). This sequence change replaces valine, which is neutral and non-polar, with leucine, which is neutral and non-polar, at codon 752 of the SPG11 protein (p.Val752Leu). This variant has not been reported in the literature in individuals affected with SPG11-related conditions. ClinVar contains an entry for this variant (Variation ID: 578138). Algorithms developed to predict the effect of missense changes on protein structure and function are either unavailable or do not agree on the potential impact of this missense change (SIFT: "Deleterious"; PolyPhen-2: "Possibly Damaging"; Align-GVGD: "Class C0"). In summary, the available evidence is currently insufficient to determine the role of this variant in disease. Therefore, it has been classified as a Variant of Uncertain Significance.

NM_025137.4(SPG11):c.2254G>T (p.Val752Leu)

Gene: SPG11 (SPG11 vesicle trafficking associated, spatacsin; minus strand). Cytogenetic location: 15q21.1.
Variant type: single nucleotide variant.
Coding change: c.2254G>T on transcript NM_025137.4 (MANE Select); coding-DNA position 2254, G replaced by T.
Protein change: p.Val752Leu; replaces valine 752 with leucine.
Molecular consequence: missense variant.
Genome position (GRCh38, 1-based): chr15:44,622,790, C>A on the plus strand (G>T on the coding strand, the complement: SPG11 is on the minus strand). VCF-style: chr15-44622790-C-A. GRCh37 (hg19) VCF-style: chr15-44914988-C-A.
Other names: c.2254G>T, p.Val752Leu (NM_001160227.2); short protein forms V752L.
Identifiers: ClinVar variation 578138 (VCV000578138.8), dbSNP rs1277935331, ClinGen allele CA392232537.